The following is an entry in ClinVar:

ClinVar aggregate classification (germline): Uncertain significance (1 of 4 stars; one submission).

Conditions:
Dilated cardiomyopathy 1JJ (CMD1JJ). Identifiers: Orphanet 154, MedGen C3808935, MONDO:0014095, OMIM 615235.

Allele frequency attached by ClinVar (database versions not stated): gnomAD exomes below 0.00001.
gnomAD v4.1: 1 of 1,612,868 alleles (0.000062%); highest among the groups gnomAD compares: Non-Finnish European, 0.000085%; no homozygotes.

Submission:

Labcorp Genetics (formerly Invitae), Labcorp
Classification: Uncertain significance for Dilated cardiomyopathy 1JJ. Last evaluated: 2022-06-28. Review status: criteria provided, single submitter. Criteria: Invitae Variant Classification Sherloc (09022015). Collection method: clinical testing. Allele origin: germline.
Comment: This sequence change replaces alanine, which is neutral and non-polar, with valine, which is neutral and non-polar, at codon 2 of the LAMA4 protein (p.Ala2Val). This variant is not present in population databases (gnomAD no frequency). This variant has not been reported in the literature in individuals affected with LAMA4-related conditions. Algorithms developed to predict the effect of missense changes on protein structure and function are either unavailable or do not agree on the potential impact of this missense change (SIFT: "Deleterious"; PolyPhen-2: "Possibly Damaging"; Align-GVGD: "Class C0"). In summary, the available evidence is currently insufficient to determine the role of this variant in disease. Therefore, it has been classified as a Variant of Uncertain Significance.

NM_001105206.3(LAMA4):c.5C>T (p.Ala2Val)

Genes: LAMA4 (laminin subunit alpha 4; minus strand), LAMA4-AS1 (LAMA4 antisense RNA 1; plus strand). Cytogenetic location: 6q21.
Variant type: single nucleotide variant.
Coding change: c.5C>T on transcript NM_001105206.3 (MANE Select); coding-DNA position 5, C replaced by T.
Protein change: p.Ala2Val; replaces alanine 2 with valine.
Molecular consequence: missense variant.
Genome position (GRCh38, 1-based): chr6:112,254,146, G>A on the plus strand (C>T on the coding strand, the complement: LAMA4 is on the minus strand). VCF-style: chr6-112254146-G-A. GRCh37 (hg19) VCF-style: chr6-112575348-G-A.
Other names: c.5C>T, p.Ala2Val (NM_001105207.3, NM_001105208.3, NM_001105209.3 and 1 more transcripts); short protein forms A2V.
Identifiers: ClinVar variation 2062170 (VCV002062170.4), dbSNP rs2482139783, ClinGen allele CA365519039.